The following is an entry in ClinVar:

ClinVar aggregate classification (germline): Likely benign. Review status: criteria provided, single submitter (1 of 4 stars). 2 submissions from 2 submitters: Likely benign (1). 1 of the submissions does not count toward it. Last evaluated 2026-01-01.

Conditions:
INTS1-related disorder. Also called: INTS1-related condition.

Allele frequency attached by ClinVar (database versions not stated): TOPMed 0.00010; gnomAD 0.00011; ESP Exome Variant Server 0.00016.
gnomAD v4.1: 210 of 1,607,248 alleles (0.013%); highest among the groups gnomAD compares: Non-Finnish European, 0.017%; no homozygotes.

Submissions (2):

CeGaT Center for Human Genetics Tuebingen
Classification: Likely benign. Last evaluated: 2026-01-01. Review status: criteria provided, single submitter. Criteria: CeGaT Center For Human Genetics Tuebingen Variant Classification Criteria Version 2. Collection method: clinical testing. Allele origin: germline. Affected: yes. Observed: 1 variant allele.
Comment: INTS1: BP4, BP7

PreventionGenetics, part of Exact Sciences
Classification: Likely benign for INTS1-related condition. Last evaluated: 2019-10-30. Review status: no assertion criteria provided. Collection method: clinical testing. Allele origin: germline. Not counted in ClinVar's aggregate classification.
Comment: This variant is classified as likely benign based on ACMG/AMP sequence variant interpretation guidelines (Richards et al. 2015 PMID: 25741868, with internal and published modifications).

NM_001080453.3(INTS1):c.3705C>G (p.Ala1235=)

Gene: INTS1 (integrator complex subunit 1; minus strand). Cytogenetic location: 7p22.3.
Variant type: single nucleotide variant.
Coding change: c.3705C>G on transcript NM_001080453.3 (MANE Select); coding-DNA position 3705, C replaced by G.
Protein change: p.Ala1235=; no amino-acid change (alanine 1235 retained).
Molecular consequence: synonymous variant.
Genome position (GRCh38, 1-based): chr7:1,481,487, G>C on the plus strand (C>G on the coding strand, the complement: INTS1 is on the minus strand). VCF-style: chr7-1481487-G-C. GRCh37 (hg19) VCF-style: chr7-1521123-G-C.
Other names: c.222C>G, p.Ala74= (NM_015674.1).
Identifiers: ClinVar variation 3045516 (VCV003045516.6), dbSNP rs200579639, ClinGen allele CA4119136.